The following is an entry in ClinVar:

ClinVar aggregate classification (germline): Uncertain significance (1 of 4 stars; one submission).

Allele frequency attached by ClinVar (database versions not stated): gnomAD exomes below 0.00001; gnomAD 0.00001; TOPMed 0.00003.

Submission:

Labcorp Genetics (formerly Invitae), Labcorp
Classification: Uncertain significance. Last evaluated: 2022-10-04. Review status: criteria provided, single submitter. Criteria: Invitae Variant Classification Sherloc (09022015). Collection method: clinical testing. Allele origin: germline.
Comment: This sequence change replaces aspartic acid, which is acidic and polar, with asparagine, which is neutral and polar, at codon 415 of the TMPRSS15 protein (p.Asp415Asn). This variant is present in population databases (no rsID available, gnomAD 0.0009%). This variant has not been reported in the literature in individuals affected with TMPRSS15-related conditions. Algorithms developed to predict the effect of missense changes on protein structure and function output the following: SIFT: "Not Available"; PolyPhen-2: "Benign"; Align-GVGD: "Not Available". The asparagine amino acid residue is found in multiple mammalian species, which suggests that this missense change does not adversely affect protein function. In summary, the available evidence is currently insufficient to determine the role of this variant in disease. Therefore, it has been classified as a Variant of Uncertain Significance.

NM_002772.3(TMPRSS15):c.1243G>A (p.Asp415Asn)

Gene: TMPRSS15 (transmembrane serine protease 15; minus strand). Cytogenetic location: 21q21.1.
Variant type: single nucleotide variant.
Coding change: c.1243G>A on transcript NM_002772.3 (MANE Select); coding-DNA position 1243, G replaced by A.
Protein change: p.Asp415Asn; replaces aspartic acid 415 with asparagine.
Molecular consequence: missense variant.
Genome position (GRCh38, 1-based): chr21:18,343,989, C>T on the plus strand (G>A on the coding strand, the complement: TMPRSS15 is on the minus strand). VCF-style: chr21-18343989-C-T. GRCh37 (hg19) VCF-style: chr21-19716306-C-T.
Other names: short protein forms D415N.
Identifiers: ClinVar variation 2421601 (VCV002421601.3), dbSNP rs1194245030, ClinGen allele CA409851051.